The following is an entry in ClinVar:

ClinVar aggregate classification (germline): Uncertain significance (1 of 4 stars; one submission).

Allele frequency attached by ClinVar (database versions not stated): TOPMed 0.00001; gnomAD exomes 0.00002; ExAC 0.00007.
gnomAD v4.1: 33 of 1,614,078 alleles (0.002%); highest among the groups gnomAD compares: Non-Finnish European, 0.0025%; no homozygotes.

Submission:

Labcorp Genetics (formerly Invitae), Labcorp
Classification: Uncertain significance. Last evaluated: 2023-11-27. Review status: criteria provided, single submitter. Criteria: Invitae Variant Classification Sherloc (09022015). Collection method: clinical testing. Allele origin: germline.
Comment: This sequence change replaces arginine, which is basic and polar, with glutamine, which is neutral and polar, at codon 376 of the POLR3A protein (p.Arg376Gln). This variant is present in population databases (rs766854953, gnomAD 0.007%). This variant has not been reported in the literature in individuals affected with POLR3A-related conditions. ClinVar contains an entry for this variant (Variation ID: 2075500). Advanced modeling of protein sequence and biophysical properties (such as structural, functional, and spatial information, amino acid conservation, physicochemical variation, residue mobility, and thermodynamic stability) performed at Invitae indicates that this missense variant is not expected to disrupt POLR3A protein function with a negative predictive value of 80%. In summary, the available evidence is currently insufficient to determine the role of this variant in disease. Therefore, it has been classified as a Variant of Uncertain Significance.

NM_007055.4(POLR3A):c.1127G>A (p.Arg376Gln)

Gene: POLR3A (RNA polymerase III subunit A; minus strand). Cytogenetic location: 10q22.3.
Variant type: single nucleotide variant.
Coding change: c.1127G>A on transcript NM_007055.4 (MANE Select); coding-DNA position 1127, G replaced by A.
Protein change: p.Arg376Gln; replaces arginine 376 with glutamine.
Molecular consequence: missense variant.
Genome position (GRCh38, 1-based): chr10:78,021,604, C>T on the plus strand (G>A on the coding strand, the complement: POLR3A is on the minus strand). VCF-style: chr10-78021604-C-T. GRCh37 (hg19) VCF-style: chr10-79781362-C-T.
Other names: short protein forms R376Q.
Identifiers: ClinVar variation 2075500 (VCV002075500.3), dbSNP rs766854953, ClinGen allele CA5571533.